The following is an entry in ClinVar:

NM_024548.4(CEP97):c.2206del (p.Ser736fs)

Gene: CEP97 (centrosomal protein 97; plus strand). Cytogenetic location: 3q12.3.
Variant type: Deletion.
Coding change: c.2206del on transcript NM_024548.4 (MANE Select); coding-DNA position 2206, one base deleted (T; older notation c.2206delT).
Protein change: p.Ser736fs; shifts the reading frame from serine 736.
Molecular consequence: frameshift variant.
Genome position (GRCh38, 1-based): chr3:101,765,159, T deleted; the last of 2 consecutive T bases (chr3:101,765,158-101,765,159); deleting either gives the same sequence. VCF-style (leftmost placement, unchanged base first): chr3-101765157-AT-A. GRCh37 (hg19) VCF-style: chr3-101484001-AT-A.
Other names: c.2029del, p.Ser677fs (NM_001303401.2); c.2104delT, p.Ser702Profs (NM_001410784.1); c.1927delT, p.Ser643Profs (NM_001410785.1); short protein forms S736fs, S677fs.
Identifiers: ClinVar variation 1962138 (VCV001962138.5), dbSNP rs758638500, ClinGen allele CA2522289.
Genomic context (GRCh38, chr3:101,765,157, plus strand): 5'-AGCATTCTTTGGATTTTGAGAAAAGTTCCACAGAAGGCAGTGAAAGCTCCATAATGGGGA[AT>A]TCCATTGACACAGTCAGATATGGCAAAGAATCAGATTTAGGGGATGTTAGTGAAGAACAT-3'

ClinVar aggregate classification (germline): Uncertain significance (1 of 4 stars; one submission).

Submission:

Labcorp Genetics (formerly Invitae), Labcorp
Classification: Uncertain significance. Last evaluated: 2023-08-11. Review status: criteria provided, single submitter. Criteria: Invitae Variant Classification Sherloc (09022015). Collection method: clinical testing. Allele origin: germline.
Comment: In summary, the available evidence is currently insufficient to determine the role of this variant in disease. Therefore, it has been classified as a Variant of Uncertain Significance. Experimental studies and prediction algorithms are not available or were not evaluated, and the functional significance of this variant is currently unknown. ClinVar contains an entry for this variant (Variation ID: 1962138). This variant has not been reported in the literature in individuals affected with CEP97-related conditions. This variant is present in population databases (rs758638500, gnomAD 0.002%). This sequence change creates a premature translational stop signal (p.Ser736Profs*13) in the CEP97 gene. While this is not anticipated to result in nonsense mediated decay, it is expected to disrupt the last 130 amino acid(s) of the CEP97 protein.